The following is an entry in ClinVar:

NM_000548.5(TSC2):c.549G>T (p.Leu183Phe)

Gene: TSC2 (TSC complex subunit 2; plus strand). Cytogenetic location: 16p13.3.
Variant type: single nucleotide variant.
Coding change: c.549G>T on transcript NM_000548.5 (MANE Select); coding-DNA position 549, G replaced by T.
Protein change: p.Leu183Phe; replaces leucine 183 with phenylalanine.
Molecular consequence: missense variant. On other transcripts: 5 prime UTR variant (13), non-coding transcript variant (5), intron variant (6).
Genome position (GRCh38, 1-based): chr16:2,055,469, G>T. VCF-style: chr16-2055469-G-T. GRCh37 (hg19) VCF-style: chr16-2105470-G-T.
Other names: c.549G>T, p.Leu183Phe (NM_001077183.3, NM_001114382.3, NM_001363528.2 and 8 more transcripts); c.438G>T, p.Leu146Phe (NM_001318827.2, NM_001406670.1, NM_001406678.1); c.402G>T, p.Leu134Phe (NM_001318829.2, NM_001406675.1, NM_001406676.1 and 1 more transcripts); c.582G>T, p.Leu194Phe (NM_001318832.2); c.639G>T, p.Leu213Phe (NM_001406667.1, NM_001406668.1); c.492G>T, p.Leu164Phe (NM_001406677.1); c.-268G>T (NM_001406680.1, NM_001406683.1, NM_001406687.1); c.87G>T, p.Leu29Phe (NM_001406681.1); and 6 more; short protein forms L134F, L146F, L164F, L183F, L194F, L213F, L29F.
Identifiers: ClinVar variation 3232197 (VCV003232197.1), dbSNP rs1415519717, ClinGen allele CA394309488.
Genomic context (GRCh38, chr16:2,055,469, plus strand): 5'-TGTCCTGCAGTGGATGGATGTTGGCTTGTCCTCGGAATTCCTTCTGGTGCTGGTGAACTT[G>T]GTCAAATTCAATAGCTGTTACCTCGACGAGTACATCGCAAGGATGGTTCAGTAAGAAAAG-3'
Protein context (NP_000539.2, residues 173-193): SSEFLLVLVN[Leu183Phe]VKFNSCYLDE

ClinVar aggregate classification (germline): Uncertain significance (1 of 4 stars; one submission).

Conditions:
Hereditary cancer-predisposing syndrome. Also called: Neoplastic Syndromes, Hereditary; Tumor predisposition; Hereditary neoplastic syndrome; Hereditary Cancer Syndrome. Identifiers: Orphanet 140162, MedGen C0027672, MeSH D009386, MONDO:0015356.

Submission:

Ambry Genetics
Classification: Uncertain significance for Hereditary cancer-predisposing syndrome. Last evaluated: 2023-12-07. Review status: criteria provided, single submitter. Criteria: Ambry Variant Classification Scheme 2023. Collection method: clinical testing. Allele origin: germline.
Comment: The p.L183F variant (also known as c.549G>T), located in coding exon 5 of the TSC2 gene, results from a G to T substitution at nucleotide position 549. The leucine at codon 183 is replaced by phenylalanine, an amino acid with highly similar properties. This amino acid position is conserved. In addition, this alteration is predicted to be deleterious by in silico analysis. Since supporting evidence is limited at this time, the clinical significance of this alteration remains unclear.